The following is an entry in ClinVar:

ClinVar aggregate classification (germline): Likely pathogenic (0 of 4 stars; one submission).

Conditions:
3-hydroxy-3-methylglutaryl-CoA synthase deficiency (HMGCS2D). Also called: MITOCHONDRIAL HMG-CoA SYNTHASE DEFICIENCY; HMGCS2 DEFICIENCY; HMG-CoA synthase-2 deficiency. Identifiers: Orphanet 35701, MedGen C2751532, MONDO:0011614, OMIM 605911.

Submission:

Department of Genetics, Suzhou Beikang Medical Laboratory
Classification: Likely pathogenic for 3-hydroxy-3-methylglutaryl-CoA synthase deficiency. Last evaluated: 2024-10-31. Review status: no assertion criteria provided. Collection method: clinical testing. Allele origin: germline. Affected: no.
Comment: This sequence change creates a premature translational stop signal (p.Leu230*) in the HMGCS2 gene. It is expected to result in an absent or disrupted protein product. Loss-of-function variants in HMGCS2 are known to be pathogenic (PMID:37931961, 20346956, 23751782, 25511235). This variant is not present in population databases (gnomAD no frequency). This variant has not been reported in the literature in individuals affected with ABCA4-related conditions. For these reasons, this variant has been classified as Likely pathogenic.

NM_005518.4(HMGCS2):c.687del

Gene: HMGCS2 (3-hydroxy-3-methylglutaryl-CoA synthase 2; minus strand). Cytogenetic location: 1p12.
Variant type: Deletion.
Coding change: c.687del on transcript NM_005518.4 (MANE Select); coding-DNA position 687, one base deleted (G; older notation c.687delG).
Molecular consequence: splice acceptor variant.
Genome position (GRCh38, 1-based): chr1:119,759,281, C deleted on the plus strand (G on the coding strand, the reverse complement: HMGCS2 is on the minus strand); the first of 3 consecutive C bases (chr1:119,759,281-119,759,283); deleting any one gives the same sequence. VCF-style (leftmost placement, unchanged base first): chr1-119759280-GC-G. GRCh37 (hg19) VCF-style: chr1-120301903-GC-G.
Identifiers: ClinVar variation 3370433 (VCV003370433.1).